The following is an entry in ClinVar:

NM_000193.4(SHH):c.494C>A (p.Ala165Glu)

Gene: SHH (sonic hedgehog signaling molecule; minus strand). Cytogenetic location: 7q36.3.
Variant type: single nucleotide variant.
Coding change: c.494C>A on transcript NM_000193.4 (MANE Select); coding-DNA position 494, C replaced by A.
Protein change: p.Ala165Glu; replaces alanine 165 with glutamic acid.
Molecular consequence: missense variant. On other transcripts: non-coding transcript variant (2).
Genome position (GRCh38, 1-based): chr7:155,806,364, G>T on the plus strand (C>A on the coding strand, the complement: SHH is on the minus strand). VCF-style: chr7-155806364-G-T. GRCh37 (hg19) VCF-style: chr7-155599058-G-T.
Other names: c.233C>A, p.Ala78Glu (NM_001310462.2); short protein forms A165E, A78E.
Identifiers: ClinVar variation 1806215 (VCV001806215.1), dbSNP rs2535901003, ClinGen allele CA370148227.

ClinVar aggregate classification (germline): Uncertain significance (1 of 4 stars; one submission).

Conditions:
Holoprosencephaly 3 (HPE3). Identifiers: Orphanet 2162, MedGen C1840529, MONDO:0007733, OMIM 142945.

Submission:

Victorian Clinical Genetics Services, Murdoch Childrens Research Institute
Classification: Uncertain significance for Holoprosencephaly 3. Last evaluated: 2021-05-06. Review status: criteria provided, single submitter. Criteria: ACMG Guidelines, 2015. Collection method: clinical testing. Allele origin: germline. Inheritance: Autosomal dominant inheritance. Affected: yes.
Comment: Based on the classification scheme VCGS_Germline_v1.3.4, this variant is classified as VUS-3A. Following criteria are met: 0103 - Dominant negative and loss of function are known mechanisms of disease in this gene and are associated with holoprosencephaly 3 (MIM#142945). Loss of function is the common disease mechanism for holoprosencephaly 3 (MIM#142945). However, dominant negative has also been associated with disease for a single missense variant (PMID: 19057928). (I) 0107 - This gene is associated with autosomal dominant disease. (I) 0112 - The condition associated with this gene has incomplete penetrance (PMID: 22791840). (I) 0115 - Variants in this gene are known to have variable expressivity (PMID: 22791840). (I) 0200 - Variant is predicted to result in a missense amino acid change from alanine to glutamic acid. (I) 0251 - This variant is heterozygous. (I) 0301 - Variant is absent from gnomAD (both v2 and v3). (SP) 0501 - Missense variant consistently predicted to be damaging by multiple in silico tools or highly conserved with a major amino acid change. (SP) 0600 - Variant is located in the annotated N-terminal signalling domain (PDB). (I) 0704 - Another missense variant comparable to the one identified in this case has limited previous evidence for pathogenicity (PMID: 22791840). (SP) 0807 - This variant has no previous evidence of pathogenicity. (I) 0905 - No published segregation evidence has been identified for this variant. (I) 1007 - No published functional evidence has been identified for this variant. (I) 1208 - Inheritance information for this variant is not currently available in this individual. (I) Legend: (SP) - Supporting pathogenic, (I) - Information, (SB) - Supporting benign

Literature cited by the submitters: PubMed 19057928; PubMed 22791840.